The following is an entry in ClinVar:

NM_018897.3(DNAH7):c.1586A>T (p.Tyr529Phe)

Gene: DNAH7 (dynein axonemal heavy chain 7; minus strand). Cytogenetic location: 2q32.3.
Variant type: single nucleotide variant.
Coding change: c.1586A>T on transcript NM_018897.3 (MANE Select); coding-DNA position 1586, A replaced by T.
Protein change: p.Tyr529Phe; replaces tyrosine 529 with phenylalanine.
Molecular consequence: missense variant.
Genome position (GRCh38, 1-based): chr2:195,987,997, T>A on the plus strand (A>T on the coding strand, the complement: DNAH7 is on the minus strand). VCF-style: chr2-195987997-T-A. GRCh37 (hg19) VCF-style: chr2-196852721-T-A.
Other names: short protein forms Y529F.
Identifiers: ClinVar variation 3342786 (VCV003342786.1).
Genomic context (GRCh38, chr2:195,987,997, plus strand): 5'-ACAAAACTGGAGTCATTTACCTTTATGGATGTGTACTGTATTTCCTCTATTAGTTTCTGG[T>A]ATTTGCAAATTTCATCTATTATTTTTTCATAACTATGATTTTCTGCGAGGAAGTTATCAA-3'
Protein context (NP_061720.2, residues 519-539): YEKIIDEICK[Tyr529Phe]QKLIEEIQYT

ClinVar aggregate classification (germline): Uncertain significance (1 of 4 stars; one submission).

Submission:

GeneDx
Classification: Uncertain significance. Last evaluated: 2023-01-08. Review status: criteria provided, single submitter. Criteria: GeneDx Variant Classification Process June 2021. Collection method: clinical testing. Allele origin: germline. Affected: yes.
Comment: Not observed at significant frequency in large population cohorts (gnomAD); In silico analysis supports that this missense variant has a deleterious effect on protein structure/function; Has not been previously published as pathogenic or benign to our knowledge; Variants in candidate genes are classified as variants of uncertain significance in accordance with ACMG guidelines (Richards et al., 2015)